The following is an entry in ClinVar:

ClinVar aggregate classification (germline): Benign (1 of 4 stars; one submission).

Conditions:
Mast syndrome. Also called: SPASTIC PARAPLEGIA 21, AUTOSOMAL RECESSIVE. Identifiers: Orphanet 101001, MedGen C1855346, MONDO:0009568, OMIM 248900.

Submission:

Illumina Laboratory Services, Illumina
Classification: Benign for Mast syndrome. Last evaluated: 2017-04-27. Review status: criteria provided, single submitter. Criteria: ICSL Variant Classification Criteria 13 December 2019. Collection method: clinical testing. Allele origin: germline.
Comment: This variant was observed as part of a predisposition screen in an ostensibly healthy population. A literature search was performed for the gene, cDNA change, and amino acid change (where applicable). No publications were found based on this search. Allele frequency data from public databases was too high to be consistent with this variant causing disease. Therefore, this variant is classified as benign.

NM_016630.7(SPG21):c.*75=

Gene: SPG21 (SPG21 abhydrolase domain containing, maspardin; minus strand). Cytogenetic location: 15q22.31.
Variant type: Variation.
Coding change: c.*75= on transcript NM_016630.7 (MANE Select); 75 bases downstream of the stop codon, no change from the reference sequence.
Molecular consequence: no sequence alteration.
Genome position: GRCh38 VCF-style: chr15-64963545-T-T. GRCh37 (hg19) VCF-style: chr15-65255886-C-T.
Other names: c.*75= (NM_001127889.5, NM_001127890.5).
Identifiers: ClinVar variation 886280 (VCV000886280.4).